The following is an entry in ClinVar:

ClinVar aggregate classification (germline): Benign (0 of 4 stars; one submission).

Conditions:
SHROOM2-related disorder. Also called: SHROOM2-related condition.

Allele frequency attached by ClinVar (database versions not stated): gnomAD exomes 0.03363; ExAC 0.11284; gnomAD 0.16423; ESP Exome Variant Server 0.17946; TOPMed 0.19269; 1000 Genomes Project 0.24795; 1000 Genomes Project 30x 0.24891.
gnomAD v4.1: 56,539 of 1,207,544 alleles (4.7%); highest among the groups gnomAD compares: African/African-American, 50%; 7,476 homozygotes.

Submission:

PreventionGenetics, part of Exact Sciences
Classification: Benign for SHROOM2-related condition. Last evaluated: 2024-08-02. Review status: no assertion criteria provided. Collection method: clinical testing. Allele origin: germline.
Comment: This variant is classified as benign based on ACMG/AMP sequence variant interpretation guidelines (Richards et al. 2015 PMID: 25741868, with internal and published modifications).

NM_001649.4(SHROOM2):c.3756A>G (p.Thr1252=)

Gene: SHROOM2 (shroom family member 2; plus strand). Cytogenetic location: Xp22.2.
Variant type: single nucleotide variant.
Coding change: c.3756A>G on transcript NM_001649.4 (MANE Select); coding-DNA position 3756, A replaced by G.
Protein change: p.Thr1252=; no amino-acid change (threonine 1252 retained).
Molecular consequence: synonymous variant.
Genome position (GRCh38, 1-based): chrX:9,937,302, A>G. VCF-style: chrX-9937302-A-G. GRCh37 (hg19) VCF-style: chrX-9905342-A-G.
Other names: c.261A>G, p.Thr87= (NM_001320663.2, NM_001320664.2).
Identifiers: ClinVar variation 3055945 (VCV003055945.2), dbSNP rs2073945, ClinGen allele CA10345826.